The following is an entry in ClinVar:

ClinVar aggregate classification (germline): Uncertain significance (1 of 4 stars; one submission).

Submission:

Women's Health and Genetics/Laboratory Corporation of America, LabCorp
Classification: Uncertain significance. Last evaluated: 2025-07-22. Review status: criteria provided, single submitter. Criteria: LabCorp Variant Classification Summary - May 2015. Collection method: clinical testing. Allele origin: germline.
Comment: Variant summary: F9 c.1243C>T (p.His415Tyr) results in a conservative amino acid change in the encoded protein sequence. Algorithms developed to predict the effect of missense changes on protein structure and function are either unavailable or do not agree on the potential impact of this missense change. The variant was absent in 183325 control chromosomes. The available data on variant occurrences in the general population are insufficient to allow any conclusion about variant significance. To our knowledge, no occurrence of c.1243C>T in individuals affected with Factor IX Deficiency (Hemophilia B) and no experimental evidence demonstrating its impact on protein function have been reported. No submitters have cited clinical-significance assessments for this variant to ClinVar. Based on the evidence outlined above, the variant was classified as uncertain significance.

NM_000133.4(F9):c.1243C>T (p.His415Tyr)

Gene: F9 (coagulation factor IX; plus strand). Cytogenetic location: Xq27.1.
Variant type: single nucleotide variant.
Coding change: c.1243C>T on transcript NM_000133.4 (MANE Select); coding-DNA position 1243, C replaced by T.
Protein change: p.His415Tyr; replaces histidine 415 with tyrosine.
Molecular consequence: missense variant.
Genome position (GRCh38, 1-based): chrX:139,561,928, C>T. VCF-style: chrX-139561928-C-T. GRCh37 (hg19) VCF-style: chrX-138644087-C-T.
Other names: c.1129C>T, p.His377Tyr (NM_001313913.2); short protein forms H377Y, H415Y.
Identifiers: ClinVar variation 4526288 (VCV004526288.1).